The following is an entry in ClinVar:

NM_005726.6(TSFM):c.366C>G (p.Asn122Lys)

Gene: TSFM (Ts translation elongation factor, mitochondrial; plus strand). Cytogenetic location: 12q14.1.
Variant type: single nucleotide variant.
Coding change: c.366C>G on transcript NM_005726.6 (MANE Select); coding-DNA position 366, C replaced by G.
Protein change: p.Asn122Lys; replaces asparagine 122 with lysine.
Molecular consequence: missense variant.
Genome position (GRCh38, 1-based): chr12:57,787,045, C>G. VCF-style: chr12-57787045-C-G. GRCh37 (hg19) VCF-style: chr12-58180828-C-G.
Other names: c.366C>G, p.Asn122Lys (NM_001172695.2, NM_001172696.2, NM_001172697.2); short protein forms N122K.
Identifiers: ClinVar variation 3347445 (VCV003347445.1).

ClinVar aggregate classification (germline): Uncertain significance (0 of 4 stars; one submission).

Conditions:
TSFM-related disorder. Also called: TSFM-related condition.

Submission:

PreventionGenetics, part of Exact Sciences
Classification: Uncertain significance for TSFM-related condition. Last evaluated: 2024-06-17. Review status: no assertion criteria provided. Collection method: clinical testing. Allele origin: germline.
Comment: The TSFM c.366C>G variant is predicted to result in the amino acid substitution p.Asn122Lys. To our knowledge, this variant has not been reported in the literature or in a large population database, indicating this variant is rare. At this time, the clinical significance of this variant is uncertain due to the absence of conclusive functional and genetic evidence.